The following is an entry in ClinVar:

ClinVar aggregate classification (germline): Uncertain significance (1 of 4 stars; one submission).

Allele frequency attached by ClinVar (database versions not stated): gnomAD 0.00001; TOPMed 0.00001; gnomAD exomes 0.00006.
gnomAD v4.1: 80 of 1,608,250 alleles (0.005%); highest among the groups gnomAD compares: Non-Finnish European, 0.0067%; no homozygotes.

Submission:

Ambry Genetics
Classification: Uncertain significance. Last evaluated: 2024-10-15. Review status: criteria provided, single submitter. Criteria: Ambry Variant Classification Scheme 2023. Collection method: clinical testing. Allele origin: germline.
Comment: The p.T497A variant (also known as c.1489A>G), located in coding exon 7 of the PALLD gene, results from an A to G substitution at nucleotide position 1489. The threonine at codon 497 is replaced by alanine, an amino acid with similar properties. This amino acid position is conserved. In addition, this alteration is predicted to be tolerated by in silico analysis. Since supporting evidence is limited at this time, the clinical significance of this alteration remains unclear.

NM_001166108.2(PALLD):c.1489A>G (p.Thr497Ala)

Gene: PALLD (palladin, cytoskeletal associated protein; plus strand). Cytogenetic location: 4q32.3.
Variant type: single nucleotide variant.
Coding change: c.1489A>G on transcript NM_001166108.2 (MANE Select); coding-DNA position 1489, A replaced by G.
Protein change: p.Thr497Ala; replaces threonine 497 with alanine.
Molecular consequence: missense variant.
Genome position (GRCh38, 1-based): chr4:168,691,280, A>G. VCF-style: chr4-168691280-A-G. GRCh37 (hg19) VCF-style: chr4-169612431-A-G.
Other names: c.343A>G, p.Thr115Ala (NM_001166109.2); c.1489A>G, p.Thr497Ala (NM_016081.4); short protein forms T115A, T497A.
Identifiers: ClinVar variation 1773728 (VCV001773728.3), dbSNP rs1168137132, ClinGen allele CA358796368.